The following is an entry in ClinVar:

NM_001367624.2(ZNF469):c.9406G>A (p.Ala3136Thr)

Gene: ZNF469 (zinc finger protein 469; plus strand). Cytogenetic location: 16q24.2.
Variant type: single nucleotide variant.
Coding change: c.9406G>A on transcript NM_001367624.2 (MANE Select); coding-DNA position 9406, G replaced by A.
Protein change: p.Ala3136Thr; replaces alanine 3136 with threonine.
Molecular consequence: missense variant.
Genome position (GRCh38, 1-based): chr16:88,436,876, G>A. VCF-style: chr16-88436876-G-A. GRCh37 (hg19) VCF-style: chr16-88503284-G-A.
Other names: NM_001127464.1:c.9322G>A; short protein forms A3136T.
Identifiers: ClinVar variation 3232882 (VCV003232882.1), dbSNP rs1410493933, ClinGen allele CA397122163.

ClinVar aggregate classification (germline): Uncertain significance (1 of 4 stars; one submission).

Conditions:
Cardiovascular phenotype. Identifiers: MedGen CN230736.

gnomAD v4.1: 1 of 1,513,528 alleles (0.000066%); no homozygotes.

Submission:

Ambry Genetics
Classification: Uncertain significance for Cardiovascular phenotype. Last evaluated: 2023-10-20. Review status: criteria provided, single submitter. Criteria: Ambry Variant Classification Scheme 2023. Collection method: clinical testing. Allele origin: germline.
Comment: The p.A3108T variant (also known as c.9322G>A), located in coding exon 2 of the ZNF469 gene, results from a G to A substitution at nucleotide position 9322. The alanine at codon 3108 is replaced by threonine, an amino acid with similar properties. This amino acid position is conserved. In addition, this alteration is predicted to be tolerated by in silico analysis. Since supporting evidence is limited at this time, the clinical significance of this alteration remains unclear.